The following is an entry in ClinVar:

NM_000428.3(LTBP2):c.1756dup (p.Val586fs)

Gene: LTBP2 (latent transforming growth factor beta binding protein 2; minus strand). Cytogenetic location: 14q24.3.
Variant type: Duplication.
Coding change: c.1756dup on transcript NM_000428.3 (MANE Select); coding-DNA position 1756, one base duplicated (G; older notation c.1756dupG).
Protein change: p.Val586fs; shifts the reading frame from valine 586.
Molecular consequence: frameshift variant.
Genome position (GRCh38, 1-based): chr14:74,549,896, C duplicated on the plus strand (G on the coding strand, the reverse complement: LTBP2 is on the minus strand); the first of 6 consecutive C bases (chr14:74,549,896-74,549,901); duplicating any one gives the same sequence. VCF-style (leftmost placement, unchanged base first): chr14-74549895-A-AC. GRCh37 (hg19) VCF-style: chr14-75016598-A-AC.
Other names: short protein forms V586fs.
Identifiers: ClinVar variation 2818163 (VCV002818163.3), dbSNP rs776807257, ClinGen allele CA263605399.
Genomic context (GRCh38, chr14:74,549,895, plus strand): 5'-ACACGTGACCTTGGACTCCAGCACTCACCTGGTCTGGGTGGGCATGGGGCACACAAAGTC[A>AC]CCCCCCAGAAGGCTCCCACACTGCCACAGCAGTCCTCCTGGGTAGTCAGCTCCAGCAGAG-3'

ClinVar aggregate classification (germline): Pathogenic (1 of 4 stars; one submission).

Submission:

Labcorp Genetics (formerly Invitae), Labcorp
Classification: Pathogenic. Last evaluated: 2025-03-07. Review status: criteria provided, single submitter. Criteria: Invitae Variant Classification Sherloc (09022015). Collection method: clinical testing. Allele origin: germline.
Comment: This sequence change creates a premature translational stop signal (p.Val586Glyfs*17) in the LTBP2 gene. It is expected to result in an absent or disrupted protein product. Loss-of-function variants in LTBP2 are known to be pathogenic (PMID: 19361779, 19656777, 22025892). The frequency data for this variant in the population databases is considered unreliable, as metrics indicate poor data quality at this position in the gnomAD database. This variant has not been reported in the literature in individuals affected with LTBP2-related conditions. ClinVar contains an entry for this variant (Variation ID: 2818163). For these reasons, this variant has been classified as Pathogenic.

Literature cited by the submitters: PubMed 19361779; PubMed 19656777; PubMed 22025892.